The following is an entry in ClinVar:

ClinVar aggregate classification (germline): Uncertain significance (1 of 4 stars; one submission).

Conditions:
Rhabdoid tumor predisposition syndrome 2 (RTPS2). Identifiers: Orphanet 231108, Orphanet 69077, MedGen C2750074, MONDO:0013224, OMIM 613325.

Submission:

Labcorp Genetics (formerly Invitae), Labcorp
Classification: Uncertain significance for Rhabdoid tumor predisposition syndrome 2. Last evaluated: 2024-06-14. Review status: criteria provided, single submitter. Criteria: Invitae Variant Classification Sherloc (09022015). Collection method: clinical testing. Allele origin: germline.
Comment: This sequence change replaces glycine, which is neutral and non-polar, with aspartic acid, which is acidic and polar, at codon 29 of the SMARCA4 protein (p.Gly29Asp). This variant is not present in population databases (gnomAD no frequency). This variant has not been reported in the literature in individuals affected with SMARCA4-related conditions. ClinVar contains an entry for this variant (Variation ID: 1491198). Advanced modeling of protein sequence and biophysical properties (such as structural, functional, and spatial information, amino acid conservation, physicochemical variation, residue mobility, and thermodynamic stability) has been performed at Invitae for this missense variant, however the output from this modeling did not meet the statistical confidence thresholds required to predict the impact of this variant on SMARCA4 protein function. In summary, the available evidence is currently insufficient to determine the role of this variant in disease. Therefore, it has been classified as a Variant of Uncertain Significance.

NM_003072.5(SMARCA4):c.86G>A (p.Gly29Asp)

Gene: SMARCA4 (SWI/SNF related BAF chromatin remodeling complex subunit ATPase 4; plus strand). Cytogenetic location: 19p13.2.
Variant type: single nucleotide variant.
Coding change: c.86G>A on transcript NM_003072.5 (MANE Select); coding-DNA position 86, G replaced by A.
Protein change: p.Gly29Asp; replaces glycine 29 with aspartic acid.
Molecular consequence: missense variant. On other transcripts: non-coding transcript variant (1).
Genome position (GRCh38, 1-based): chr19:10,984,237, G>A. VCF-style: chr19-10984237-G-A. GRCh37 (hg19) VCF-style: chr19-11094913-G-A.
Other names: c.86G>A, p.Gly29Asp (NM_001128844.3, NM_001128845.2, NM_001128846.2 and 5 more transcripts); short protein forms G29D.
Identifiers: ClinVar variation 1491198 (VCV001491198.8), dbSNP rs2145722799, ClinGen allele CA404054120.